The following is an entry in ClinVar:

NM_003072.5(SMARCA4):c.1746G>T (p.Lys582Asn)

Gene: SMARCA4 (SWI/SNF related BAF chromatin remodeling complex subunit ATPase 4; plus strand). Cytogenetic location: 19p13.2.
Variant type: single nucleotide variant.
Coding change: c.1746G>T on transcript NM_003072.5 (MANE Select); coding-DNA position 1746, G replaced by T.
Protein change: p.Lys582Asn; replaces lysine 582 with asparagine.
Molecular consequence: missense variant. On other transcripts: non-coding transcript variant (1).
Genome position (GRCh38, 1-based): chr19:10,996,365, G>T. VCF-style: chr19-10996365-G-T. GRCh37 (hg19) VCF-style: chr19-11107041-G-T.
Other names: c.1746G>T, p.Lys582Asn (NM_001128844.3, NM_001128845.2, NM_001128846.2 and 6 more transcripts); short protein forms K582N.
Identifiers: ClinVar variation 4170189 (VCV004170189.1).

ClinVar aggregate classification (germline): Uncertain significance (1 of 4 stars; one submission).

Conditions:
Hereditary cancer-predisposing syndrome. Also called: Neoplastic Syndromes, Hereditary; Tumor predisposition; Hereditary Cancer Syndrome; Hereditary neoplastic syndrome. Identifiers: Orphanet 140162, MedGen C0027672, MeSH D009386, MONDO:0015356.

Submission:

Ambry Genetics
Classification: Uncertain significance for Hereditary cancer-predisposing syndrome. Last evaluated: 2025-09-10. Review status: criteria provided, single submitter. Criteria: Ambry Variant Classification Scheme 2023. Collection method: clinical testing. Allele origin: germline.
Comment: The p.K582N variant (also known as c.1746G>T), located in coding exon 9 of the SMARCA4 gene, results from a G to T substitution at nucleotide position 1746. The lysine at codon 582 is replaced by asparagine, an amino acid with similar properties. This amino acid position is conserved. In addition, this alteration is predicted to be tolerated by in silico analysis. Based on the available evidence, the clinical significance of this variant remains unclear.